The following is an entry in ClinVar:

ClinVar aggregate classification (germline): Uncertain significance (1 of 4 stars; one submission).

Submission:

GeneDx
Classification: Uncertain significance. Last evaluated: 2026-03-01. Review status: criteria provided, single submitter. Criteria: GeneDx Variant Classification Process June 2021. Collection method: clinical testing. Allele origin: germline.
Comment: Not observed at significant frequency in large population cohorts (gnomAD); In silico analysis supports that this missense variant has a deleterious effect on protein structure/function; Has not been previously published as pathogenic or benign to our knowledge

NM_153766.3(KCNJ1):c.740T>C (p.Leu247Ser)

Gene: KCNJ1 (potassium inwardly rectifying channel subfamily J member 1; minus strand). Cytogenetic location: 11q24.3.
Variant type: single nucleotide variant.
Coding change: c.740T>C on transcript NM_153766.3 (MANE Select); coding-DNA position 740, T replaced by C.
Protein change: p.Leu247Ser; replaces leucine 247 with serine.
Molecular consequence: missense variant.
Genome position (GRCh38, 1-based): chr11:128,839,504, A>G on the plus strand (T>C on the coding strand, the complement: KCNJ1 is on the minus strand). VCF-style: chr11-128839504-A-G. GRCh37 (hg19) VCF-style: chr11-128709399-A-G.
Other names: c.797T>C, p.Leu266Ser (NM_000220.6); c.740T>C, p.Leu247Ser (NM_153764.3, NM_153767.4); c.791T>C, p.Leu264Ser (NM_153765.3); short protein forms L264S, L266S, L247S.
Identifiers: ClinVar variation 5008343 (VCV005008343.1).
Genomic context (GRCh38, chr11:128,839,504, plus strand): 5'-AGGGTCTCCGCTGCCATGTGGAAGAAAGGGCTGTTGTGATCAATGACATGGTAAATTGTC[A>G]ATGGGGAGATGAAGAATAAATTTTCATTCCCAGCGTCAACTACAAAGTTGATATTGATCT-3'
Protein context (NP_722450.1, residues 237-257): GNENLFFISP[Leu247Ser]TIYHVIDHNS